The following is an entry in ClinVar:

NM_000088.4(COL1A1):c.2780C>T (p.Pro927Leu)

Gene: COL1A1 (collagen type I alpha 1 chain; minus strand). Cytogenetic location: 17q21.33.
Variant type: single nucleotide variant.
Coding change: c.2780C>T on transcript NM_000088.4 (MANE Select); coding-DNA position 2780, C replaced by T.
Protein change: p.Pro927Leu; replaces proline 927 with leucine.
Molecular consequence: missense variant.
Genome position (GRCh38, 1-based): chr17:50,189,426, G>A on the plus strand (C>T on the coding strand, the complement: COL1A1 is on the minus strand). VCF-style: chr17-50189426-G-A. GRCh37 (hg19) VCF-style: chr17-48266787-G-A.
Other names: short protein forms P927L.
Identifiers: ClinVar variation 3706883 (VCV003706883.3).

ClinVar aggregate classification (germline): Uncertain significance. Review status: criteria provided, multiple submitters, no conflicts (2 of 4 stars). 2 submissions from 2 submitters: Uncertain significance (2). Last evaluated 2026-06-15.

Conditions:
Osteogenesis imperfecta type I (OI1). Also called: Lobstein disease; OI, TYPE I; OSTEOGENESIS IMPERFECTA TARDA; OSTEOGENESIS IMPERFECTA WITH BLUE SCLERAE; Osteogenesis imperfecta type 1; Lobstein's Disease. Identifiers: Orphanet 216796, Orphanet 666, MedGen C0023931, MONDO:0008146, OMIM 166200. Disease mechanism: loss of function.
Cardiovascular phenotype. Identifiers: MedGen CN230736.

gnomAD v4.1: 1 of 1,613,898 alleles (0.000062%); no homozygotes.

Submissions (2):

Ambry Genetics
Classification: Uncertain significance for Cardiovascular phenotype. Last evaluated: 2026-06-15. Review status: criteria provided, single submitter. Criteria: Ambry Variant Classification Scheme 2023. Collection method: clinical testing. Allele origin: germline.
Comment: The p.P927L variant (also known as c.2780C>T), located in coding exon 39 of the COL1A1 gene, results from a C to T substitution at nucleotide position 2780. The proline at codon 927 is replaced by leucine, an amino acid with similar properties. This amino acid position is conserved. In addition, the in silico prediction for this alteration is inconclusive. Based on the available evidence, the clinical significance of this variant remains unclear.

Labcorp Genetics (formerly Invitae), Labcorp
Classification: Uncertain significance for Osteogenesis imperfecta type I. Last evaluated: 2024-09-03. Review status: criteria provided, single submitter. Criteria: Invitae Variant Classification Sherloc (09022015). Collection method: clinical testing. Allele origin: germline.
Comment: This sequence change replaces proline, which is neutral and non-polar, with leucine, which is neutral and non-polar, at codon 927 of the COL1A1 protein (p.Pro927Leu). This variant is present in population databases (no rsID available, gnomAD no frequency). This variant has not been reported in the literature in individuals affected with COL1A1-related conditions. Invitae Evidence Modeling of protein sequence and biophysical properties (such as structural, functional, and spatial information, amino acid conservation, physicochemical variation, residue mobility, and thermodynamic stability) indicates that this missense variant is expected to disrupt COL1A1 protein function with a positive predictive value of 80%. In summary, the available evidence is currently insufficient to determine the role of this variant in disease. Therefore, it has been classified as a Variant of Uncertain Significance.